The following is an entry in ClinVar:

NM_005337.5(NCKAP1L):c.2426C>T (p.Ser809Phe)

Gene: NCKAP1L (NCK associated protein 1 like; plus strand). Cytogenetic location: 12q13.2.
Variant type: single nucleotide variant.
Coding change: c.2426C>T on transcript NM_005337.5 (MANE Select); coding-DNA position 2426, C replaced by T.
Protein change: p.Ser809Phe; replaces serine 809 with phenylalanine.
Molecular consequence: missense variant.
Genome position (GRCh38, 1-based): chr12:54,528,297, C>T. VCF-style: chr12-54528297-C-T. GRCh37 (hg19) VCF-style: chr12-54922081-C-T.
Other names: c.2276C>T, p.Ser759Phe (NM_001184976.2); c.2426C>T (NM_005337.4); short protein forms S759F, S809F.
Identifiers: ClinVar variation 1929099 (VCV001929099.3), dbSNP rs745434911, ClinGen allele CA6609420.

ClinVar aggregate classification (germline): Uncertain significance. Review status: criteria provided, multiple submitters, no conflicts (2 of 4 stars). 2 submissions from 2 submitters: Uncertain significance (2). Last evaluated 2024-01-12.

Allele frequency attached by ClinVar (database versions not stated): TOPMed 0.00002; gnomAD 0.00003; ExAC 0.00004; gnomAD exomes 0.00006.
gnomAD v4.1: 86 of 1,613,866 alleles (0.0053%); highest among the groups gnomAD compares: Non-Finnish European, 0.007%; no homozygotes.

Submissions (2):

Ambry Genetics
Classification: Uncertain significance. Last evaluated: 2024-01-12. Review status: criteria provided, single submitter. Criteria: Ambry Variant Classification Scheme 2023. Collection method: clinical testing. Allele origin: germline.

Labcorp Genetics (formerly Invitae), Labcorp
Classification: Uncertain significance. Last evaluated: 2022-09-07. Review status: criteria provided, single submitter. Criteria: Invitae Variant Classification Sherloc (09022015). Collection method: clinical testing. Allele origin: germline.
Comment: This sequence change replaces serine, which is neutral and polar, with phenylalanine, which is neutral and non-polar, at codon 809 of the NCKAP1L protein (p.Ser809Phe). This variant is present in population databases (rs745434911, gnomAD 0.009%). This variant has not been reported in the literature in individuals affected with NCKAP1L-related conditions. Algorithms developed to predict the effect of missense changes on protein structure and function are either unavailable or do not agree on the potential impact of this missense change (SIFT: "Deleterious"; PolyPhen-2: "Benign"; Align-GVGD: "Class C0"). In summary, the available evidence is currently insufficient to determine the role of this variant in disease. Therefore, it has been classified as a Variant of Uncertain Significance.